The following is an entry in ClinVar:

NM_014915.3(ANKRD26):c.1346G>C (p.Gly449Ala)

Gene: ANKRD26 (ankyrin repeat domain 26; minus strand). Cytogenetic location: 10p12.1.
Variant type: single nucleotide variant.
Coding change: c.1346G>C on transcript NM_014915.3 (MANE Select); coding-DNA position 1346, G replaced by C.
Protein change: p.Gly449Ala; replaces glycine 449 with alanine.
Molecular consequence: missense variant.
Genome position (GRCh38, 1-based): chr10:27,064,005, C>G on the plus strand (G>C on the coding strand, the complement: ANKRD26 is on the minus strand). VCF-style: chr10-27064005-C-G. GRCh37 (hg19) VCF-style: chr10-27352934-C-G.
Other names: c.1346G>C, p.Gly449Ala (NM_001256053.2); short protein forms G449A.
Identifiers: ClinVar variation 3713633 (VCV003713633.3).

ClinVar aggregate classification (germline): Uncertain significance. Review status: criteria provided, multiple submitters, no conflicts (2 of 4 stars). 2 submissions from 2 submitters: Uncertain significance (2). Last evaluated 2025-08-23.

Conditions:
Inborn genetic diseases. Identifiers: MedGen C0950123, MeSH D030342.

gnomAD v4.1: 3 of 1,609,124 alleles (0.00019%); highest among the groups gnomAD compares: Admixed American, 0.005%; no homozygotes.

Submissions (2):

Ambry Genetics
Classification: Uncertain significance for Inborn genetic diseases. Last evaluated: 2025-08-23. Review status: criteria provided, single submitter. Criteria: Ambry Variant Classification Scheme 2023. Collection method: clinical testing. Allele origin: germline.

Labcorp Genetics (formerly Invitae), Labcorp
Classification: Uncertain significance. Last evaluated: 2024-11-13. Review status: criteria provided, single submitter. Criteria: Invitae Variant Classification Sherloc (09022015). Collection method: clinical testing. Allele origin: germline.
Comment: This sequence change replaces glycine, which is neutral and non-polar, with alanine, which is neutral and non-polar, at codon 449 of the ANKRD26 protein (p.Gly449Ala). This variant is present in population databases (rs759132367, gnomAD 0.009%). This variant has not been reported in the literature in individuals affected with ANKRD26-related conditions. An algorithm developed to predict the effect of missense changes on protein structure and function outputs the following: PolyPhen-2: "Benign". The alanine amino acid residue is found in multiple mammalian species, which suggests that this missense change does not adversely affect protein function. In summary, the available evidence is currently insufficient to determine the role of this variant in disease. Therefore, it has been classified as a Variant of Uncertain Significance.